The following is an entry in ClinVar:

NM_181078.3(IL21R):c.1034G>A (p.Gly345Asp)

Genes: IL21R (interleukin 21 receptor; plus strand), IL21R-AS1 (IL21R antisense RNA 1; minus strand), LOC130058712 (ATAC-STARR-seq lymphoblastoid active region 10626; plus strand). Cytogenetic location: 16p12.1.
Variant type: single nucleotide variant.
Coding change: c.1034G>A on transcript NM_181078.3 (MANE Select); coding-DNA position 1034, G replaced by A.
Protein change: p.Gly345Asp; replaces glycine 345 with aspartic acid.
Molecular consequence: missense variant. On other transcripts: non-coding transcript variant (1).
Genome position (GRCh38, 1-based): chr16:27,448,700, G>A. VCF-style: chr16-27448700-G-A. GRCh37 (hg19) VCF-style: chr16-27460021-G-A.
Other names: c.1034G>A, p.Gly345Asp (NM_021798.4); c.1100G>A, p.Gly367Asp (NM_181079.5); c.1100G>A (NM_181079.4); short protein forms G367D, G345D.
Identifiers: ClinVar variation 835456 (VCV000835456.11), dbSNP rs759242116, ClinGen allele CA7975135.
Genomic context (GRCh38, chr16:27,448,700, plus strand): 5'-CGGCCAAGAGGCTGCAGCTCACGGAGCTACAAGAACCAGCAGAGCTGGTGGAGTCTGACG[G>A]TGTGCCCAAGCCCAGCTTCTGGCCGACAGCCCAGAACTCGGGGGGCTCAGCTTACAGTGA-3'
Protein context (NP_851564.1, residues 335-355): QEPAELVESD[Gly345Asp]VPKPSFWPTA

ClinVar aggregate classification (germline): Uncertain significance. Review status: criteria provided, multiple submitters, no conflicts (2 of 4 stars). 2 submissions from 2 submitters: Uncertain significance (2). Last evaluated 2025-03-20.

Conditions:
Inborn genetic diseases. Identifiers: MedGen C0950123, MeSH D030342.
Cryptosporidiosis-chronic cholangitis-liver disease syndrome. Also called: Immunodeficiency type 56; IL21R immunodeficiency. Identifiers: Orphanet 357329, MedGen C3554687, MONDO:0014082, OMIM 615207.

Allele frequency attached by ClinVar (database versions not stated): gnomAD exomes 0.00001 and 0.00002; ExAC 0.00002; gnomAD 0.00004; TOPMed 0.00009.
gnomAD v4.1: 29 of 1,613,140 alleles (0.0018%); highest among the groups gnomAD compares: South Asian, 0.02%; 2 homozygotes.

Submissions (2):

Ambry Genetics
Classification: Uncertain significance for Inborn genetic diseases. Last evaluated: 2025-03-20. Review status: criteria provided, single submitter. Criteria: Ambry Variant Classification Scheme 2023. Collection method: clinical testing. Allele origin: germline.

Labcorp Genetics (formerly Invitae), Labcorp
Classification: Uncertain significance for Cryptosporidiosis-chronic cholangitis-liver disease syndrome. Last evaluated: 2024-11-18. Review status: criteria provided, single submitter. Criteria: Invitae Variant Classification Sherloc (09022015). Collection method: clinical testing. Allele origin: germline.
Comment: This sequence change replaces glycine, which is neutral and non-polar, with aspartic acid, which is acidic and polar, at codon 345 of the IL21R protein (p.Gly345Asp). This variant is present in population databases (rs759242116, gnomAD 0.01%), including at least one homozygous and/or hemizygous individual. This variant has not been reported in the literature in individuals affected with IL21R-related conditions. ClinVar contains an entry for this variant (Variation ID: 835456). Invitae Evidence Modeling of protein sequence and biophysical properties (such as structural, functional, and spatial information, amino acid conservation, physicochemical variation, residue mobility, and thermodynamic stability) indicates that this missense variant is not expected to disrupt IL21R protein function with a negative predictive value of 80%. In summary, the available evidence is currently insufficient to determine the role of this variant in disease. Therefore, it has been classified as a Variant of Uncertain Significance.